The following is an entry in ClinVar:

NM_000824.5(GLRB):c.1002T>G (p.Ile334Met)

Gene: GLRB (glycine receptor beta; plus strand). Cytogenetic location: 4q32.1.
Variant type: single nucleotide variant.
Coding change: c.1002T>G on transcript NM_000824.5 (MANE Select); coding-DNA position 1002, T replaced by G.
Protein change: p.Ile334Met; replaces isoleucine 334 with methionine.
Molecular consequence: missense variant. On other transcripts: intron variant (1).
Genome position (GRCh38, 1-based): chr4:157,152,815, T>G. VCF-style: chr4-157152815-T-G. GRCh37 (hg19) VCF-style: chr4-158073967-T-G.
Other names: c.1002T>G, p.Ile334Met (NM_001166060.2); c.904+8856T>G (NM_001166061.2); short protein forms I334M.
Identifiers: ClinVar variation 2158263 (VCV002158263.3), dbSNP rs760636363, ClinGen allele CA3119928.

ClinVar aggregate classification (germline): Uncertain significance (1 of 4 stars; one submission).

Conditions:
Hyperekplexia 2 (HKPX2). Identifiers: Orphanet 3197, MedGen C3553291, MONDO:0013828, OMIM 614619.

Allele frequency attached by ClinVar (database versions not stated): gnomAD 0.00001; gnomAD exomes 0.00001; TOPMed 0.00001; ExAC 0.00002.
gnomAD v4.1: 12 of 1,613,948 alleles (0.00074%); highest among the groups gnomAD compares: Non-Finnish European, 0.001%; no homozygotes.

Submission:

Labcorp Genetics (formerly Invitae), Labcorp
Classification: Uncertain significance for Hyperekplexia 2. Last evaluated: 2024-12-03. Review status: criteria provided, single submitter. Criteria: Invitae Variant Classification Sherloc (09022015). Collection method: clinical testing. Allele origin: germline.
Comment: This sequence change replaces isoleucine, which is neutral and non-polar, with methionine, which is neutral and non-polar, at codon 334 of the GLRB protein (p.Ile334Met). This variant is present in population databases (rs760636363, gnomAD 0.003%). This variant has not been reported in the literature in individuals affected with GLRB-related conditions. ClinVar contains an entry for this variant (Variation ID: 2158263). Invitae Evidence Modeling of protein sequence and biophysical properties (such as structural, functional, and spatial information, amino acid conservation, physicochemical variation, residue mobility, and thermodynamic stability) indicates that this missense variant is not expected to disrupt GLRB protein function with a negative predictive value of 80%. In summary, the available evidence is currently insufficient to determine the role of this variant in disease. Therefore, it has been classified as a Variant of Uncertain Significance.